The following is an entry in ClinVar:

ClinVar aggregate classification (germline): Likely pathogenic (1 of 4 stars; one submission).

Conditions:
KCNA3-associated developmental and epileptic encephalopathy.

Submission:

Institute of Human Genetics, University of Leipzig Medical Center
Classification: Likely pathogenic for KCNA3-associated developmental and epileptic encephalopathy. Last evaluated: 2023-02-14. Review status: criteria provided, single submitter. Criteria: ACMG Guidelines, 2015. Collection method: research. Allele origin: de novo. Inheritance: Autosomal dominant inheritance. Affected: yes. Observed: 1 variant allele.
Comment: This variant was identified as de novo (maternity and paternity confirmed)._x000D_ Criteria applied: PS3, PS2_MOD, PM2_SUP, PP3

Literature cited by the submitters: PubMed 37964487.

NM_002232.5(KCNA3):c.1292T>A (p.Ile431Asn)

Gene: KCNA3 (potassium voltage-gated channel subfamily A member 3; minus strand). Cytogenetic location: 1p13.3.
Variant type: single nucleotide variant.
Coding change: c.1292T>A on transcript NM_002232.5 (MANE Select); coding-DNA position 1292, T replaced by A.
Protein change: p.Ile431Asn; replaces isoleucine 431 with asparagine.
Molecular consequence: missense variant.
Genome position (GRCh38, 1-based): chr1:110,673,518, A>T on the plus strand (T>A on the coding strand, the complement: KCNA3 is on the minus strand). VCF-style: chr1-110673518-A-T. GRCh37 (hg19) VCF-style: chr1-111216140-A-T.
Other names: short protein forms I431N.
Identifiers: ClinVar variation 2500322 (VCV002500322.2), dbSNP rs2524761478, ClinGen allele CA341808501.